The following is an entry in ClinVar:

NM_005144.5(HR):c.2315G>A (p.Gly772Asp)

Gene: HR (HR lysine demethylase and nuclear receptor corepressor; minus strand). Cytogenetic location: 8p21.3.
Variant type: single nucleotide variant.
Coding change: c.2315G>A on transcript NM_005144.5 (MANE Select); coding-DNA position 2315, G replaced by A.
Protein change: p.Gly772Asp; replaces glycine 772 with aspartic acid.
Molecular consequence: missense variant.
Genome position (GRCh38, 1-based): chr8:22,121,117, C>T on the plus strand (G>A on the coding strand, the complement: HR is on the minus strand). VCF-style: chr8-22121117-C-T. GRCh37 (hg19) VCF-style: chr8-21978630-C-T.
Other names: c.2315G>A, p.Gly772Asp (NM_018411.4); c.2315G>A (NM_005144.4); short protein forms G772D.
Identifiers: ClinVar variation 2051913 (VCV002051913.5), dbSNP rs1200720366, ClinGen allele CA370519699.

ClinVar aggregate classification (germline): Uncertain significance. Review status: criteria provided, multiple submitters, no conflicts (2 of 4 stars). 2 submissions from 2 submitters: Uncertain significance (2). Last evaluated 2025-05-06.

Conditions:
Inborn genetic diseases. Identifiers: MedGen C0950123, MeSH D030342.

Allele frequency attached by ClinVar (database versions not stated): gnomAD exomes 0.00001; gnomAD 0.00007; TOPMed 0.00012.
gnomAD v4.1: 16 of 1,613,756 alleles (0.00099%); highest among the groups gnomAD compares: Admixed American, 0.025%; no homozygotes.

Submissions (2):

Ambry Genetics
Classification: Uncertain significance for Inborn genetic diseases. Last evaluated: 2025-05-06. Review status: criteria provided, single submitter. Criteria: Ambry Variant Classification Scheme 2023. Collection method: clinical testing. Allele origin: germline.

Labcorp Genetics (formerly Invitae), Labcorp
Classification: Uncertain significance. Last evaluated: 2023-08-10. Review status: criteria provided, single submitter. Criteria: Invitae Variant Classification Sherloc (09022015). Collection method: clinical testing. Allele origin: germline.
Comment: This variant is present in population databases (no rsID available, gnomAD 0.009%). This sequence change replaces glycine, which is neutral and non-polar, with aspartic acid, which is acidic and polar, at codon 772 of the HR protein (p.Gly772Asp). This variant has not been reported in the literature in individuals affected with HR-related conditions. ClinVar contains an entry for this variant (Variation ID: 2051913). An algorithm developed to predict the effect of missense changes on protein structure and function (PolyPhen-2) suggests that this variant is likely to be disruptive. In summary, the available evidence is currently insufficient to determine the role of this variant in disease. Therefore, it has been classified as a Variant of Uncertain Significance.